The following is an entry in ClinVar:

NM_000218.3(KCNQ1):c.1045T>G (p.Ser349Ala)

Gene: KCNQ1 (potassium voltage-gated channel subfamily Q member 1; plus strand). Cytogenetic location: 11p15.5.
Variant type: single nucleotide variant.
Coding change: c.1045T>G on transcript NM_000218.3 (MANE Select); coding-DNA position 1045, T replaced by G.
Protein change: p.Ser349Ala; replaces serine 349 with alanine.
Molecular consequence: missense variant. On other transcripts: intron variant (2).
Genome position (GRCh38, 1-based): chr11:2,585,224, T>G. VCF-style: chr11-2585224-T-G. GRCh37 (hg19) VCF-style: chr11-2606454-T-G.
Other names: c.775T>G, p.Ser259Ala (NM_001406837.1); c.664T>G, p.Ser222Ala (NM_181798.2); c.1032+1679T>G (NM_001406836.1); c.588+1679T>G (NM_001406838.1); short protein forms S222A, S259A, S349A.
Identifiers: ClinVar variation 3074516 (VCV003074516.1), dbSNP rs199472764, ClinGen allele CA379133650.

ClinVar aggregate classification (germline): Uncertain significance (1 of 4 stars; one submission).

Conditions:
Long QT syndrome (LQTS). Identifiers: MedGen C0023976, MeSH D008133, MONDO:0002442. Disease mechanism: loss of function. Inheritance: Various modes of inheritance.

Submission:

All of Us Research Program, National Institutes of Health
Classification: Uncertain significance for Long QT syndrome. Last evaluated: 2023-11-20. Review status: criteria provided, single submitter. Criteria: ACMG Guidelines, 2015. Collection method: clinical testing. Allele origin: germline. Inheritance: Autosomal dominant inheritance. Observed: 1 variant allele, 1 heterozygote.
Comment: This missense variant replaces serine with alanine at codon 349 of the KCNQ1 protein. Computational prediction suggests that this variant may have deleterious impact on protein structure and function (internally defined REVEL score threshold >= 0.7, PMID: 27666373). To our knowledge, functional studies have not been reported for this variant. This variant has not been reported in individuals affected with KCNQ1-related disorders in the literature. This variant has not been identified in the general population by the Genome Aggregation Database (gnomAD). The available evidence is insufficient to determine the role of this variant in disease conclusively. Therefore, this variant is classified as a Variant of Uncertain Significance.

This study involves interpretation of variants in research participants for the purpose of population health screening. Participant phenotype was not available at the time of variant classification. Additional details can be found in publication PMID: 35346344, PMCID: PMC8962531